The following is an entry in ClinVar:

NM_001943.5(DSG2):c.462C>A (p.Asp154Glu)

Gene: DSG2 (desmoglein 2; plus strand). Cytogenetic location: 18q12.1.
Variant type: single nucleotide variant.
Coding change: c.462C>A on transcript NM_001943.5 (MANE Select); coding-DNA position 462, C replaced by A.
Protein change: p.Asp154Glu; replaces aspartic acid 154 with glutamic acid.
Molecular consequence: missense variant.
Genome position (GRCh38, 1-based): chr18:31,521,182, C>A. VCF-style: chr18-31521182-C-A. GRCh37 (hg19) VCF-style: chr18-29101145-C-A.
Other names: short protein forms D154E.
Identifiers: ClinVar variation 2736719 (VCV002736719.3), dbSNP rs2073125869, ClinGen allele CA402132207.
Genomic context (GRCh38, chr18:31,521,182, plus strand): 5'-AAGAGGAAACAATGTAGAGAAACCCTTAGAGCTACGCATTAAGGTTCTTGATATCAATGA[C>A]AACGAACCAGTGTTCACACAGGATGTCTTTGTTGGGTCTGTTGAAGAGTTGAGTGCAGCA-3'
Protein context (NP_001934.2, residues 144-164): ELRIKVLDIN[Asp154Glu]NEPVFTQDVF

ClinVar aggregate classification (germline): Uncertain significance (1 of 4 stars; one submission).

Conditions:
Arrhythmogenic right ventricular dysplasia 10. Also called: Arrhythmogenic Right Ventricular Dysplasia/Cardiomyopathy10; ARRHYTHMOGENIC RIGHT VENTRICULAR DYSPLASIA, FAMILIAL, 10; Arrhythmogenic right ventricular dysplasia/cardiomyopathy, type 10. Identifiers: MedGen C1857777, MONDO:0012434, OMIM 610193.

Allele frequency attached by ClinVar (database versions not stated): gnomAD exomes below 0.00001.
gnomAD v4.1: 5 of 1,612,784 alleles (0.00031%); highest among the groups gnomAD compares: Non-Finnish European, 0.00042%; no homozygotes.

Submission:

Labcorp Genetics (formerly Invitae), Labcorp
Classification: Uncertain significance for Arrhythmogenic right ventricular dysplasia 10. Last evaluated: 2023-07-21. Review status: criteria provided, single submitter. Criteria: Invitae Variant Classification Sherloc (09022015). Collection method: clinical testing. Allele origin: germline.
Comment: This sequence change replaces aspartic acid, which is acidic and polar, with glutamic acid, which is acidic and polar, at codon 154 of the DSG2 protein (p.Asp154Glu). This variant is not present in population databases (gnomAD no frequency). This missense change has been observed in individual(s) with clinical features of DSG2-related condition (PMID: 17105751). It has also been observed to segregate with disease in related individuals. This variant is also known as p.D105E. Advanced modeling of protein sequence and biophysical properties (such as structural, functional, and spatial information, amino acid conservation, physicochemical variation, residue mobility, and thermodynamic stability) has been performed at Invitae for this missense variant, however the output from this modeling did not meet the statistical confidence thresholds required to predict the impact of this variant on DSG2 protein function. Experimental studies have shown that this missense change affects DSG2 function (PMID: 29062102, 30885746). In summary, the available evidence is currently insufficient to determine the role of this variant in disease. Therefore, it has been classified as a Variant of Uncertain Significance.

Literature cited by the submitters: PubMed 17105751; PubMed 29062102; PubMed 30885746.